The following is an entry in ClinVar:

ClinVar aggregate classification (germline): Likely benign (1 of 4 stars; one submission).

Submission:

CeGaT Center for Human Genetics Tuebingen
Classification: Likely benign. Last evaluated: 2023-03-01. Review status: criteria provided, single submitter. Criteria: CeGaT Center For Human Genetics Tuebingen Variant Classification Criteria Version 2. Collection method: clinical testing. Allele origin: germline. Affected: yes. Observed: 1 variant allele.
Comment: DST: PM2:Supporting, BP4, BP7

NM_001374736.1(DST):c.16074C>T (p.Thr5358=)

Gene: DST (dystonin; minus strand). Cytogenetic location: 6p12.1.
Variant type: single nucleotide variant.
Coding change: c.16074C>T on transcript NM_001374736.1 (MANE Select); coding-DNA position 16074, C replaced by T.
Protein change: p.Thr5358=; no amino-acid change (threonine 5358 retained).
Molecular consequence: synonymous variant.
Genome position (GRCh38, 1-based): chr6:56,552,718, G>A on the plus strand (C>T on the coding strand, the complement: DST is on the minus strand). VCF-style: chr6-56552718-G-A. GRCh37 (hg19) VCF-style: chr6-56417516-G-A.
Other names: c.9717C>T, p.Thr3239= (NM_001144769.5); c.9303C>T, p.Thr3101= (NM_001144770.2); c.16074C>T, p.Thr5358= (NM_001374722.1); c.15441C>T, p.Thr5147= (NM_001374729.1); c.9183C>T, p.Thr3061= (NM_001374730.1, NM_001386100.1, NM_183380.4); c.16101C>T, p.Thr5367= (NM_001374734.1); c.8205C>T, p.Thr2735= (NM_015548.5).
Identifiers: ClinVar variation 2656658 (VCV002656658.24), dbSNP rs2535331477, ClinGen allele CA450619404.